The following is an entry in ClinVar:

ClinVar aggregate classification (germline): Pathogenic (1 of 4 stars; one submission).

Conditions:
Cerebral cavernous malformation 2. Also called: Familial Cerebral Cavernous Malformation 2. Identifiers: Orphanet 221061, MedGen C1864041, MONDO:0011304, OMIM 603284.

Submission:

Labcorp Genetics (formerly Invitae), Labcorp
Classification: Pathogenic for Cerebral cavernous malformation 2. Last evaluated: 2022-12-12. Review status: criteria provided, single submitter. Criteria: Invitae Variant Classification Sherloc (09022015). Collection method: clinical testing. Allele origin: unknown.
Comment: For these reasons, this variant has been classified as Pathogenic. This variant disrupts a region of the CCM2 protein in which other variant(s) (p.Glu417Glyfs*3) have been determined to be pathogenic (PMID: 14740320, 24689081). This suggests that this is a clinically significant region of the protein, and that variants that disrupt it are likely to be disease-causing. This variant has not been reported in the literature in individuals affected with CCM2-related conditions. This variant is a gross deletion of the genomic region encompassing exon(s) 3-10 of the CCM2 gene, which includes the termination codon. This deletion extends beyond the assayed region for this gene and therefore may encompass additional genes. While this deletion is not anticipated to lead to nonsense mediated decay, it is expected to alter mRNA translation or result in a truncated protein product.

Literature cited by the submitters: PubMed 14740320; PubMed 24689081.

NC_000007.13:g.(?_45103497)_(45115674_?)del

Gene: CCM2 (CCM2 scaffold protein; plus strand). Cytogenetic location: 7p13.
Variant type: Deletion.
Identifiers: ClinVar variation 3245759 (VCV003245759.1).